The following is an entry in ClinVar:

NM_000342.4(SLC4A1):c.287G>A (p.Arg96His)

Gene: SLC4A1 (solute carrier family 4 member 1 (Diego blood group); minus strand). Cytogenetic location: 17q21.31.
Variant type: single nucleotide variant.
Coding change: c.287G>A on transcript NM_000342.4 (MANE Select); coding-DNA position 287, G replaced by A.
Protein change: p.Arg96His; replaces arginine 96 with histidine.
Molecular consequence: missense variant.
Genome position (GRCh38, 1-based): chr17:44,260,697, C>T on the plus strand (G>A on the coding strand, the complement: SLC4A1 is on the minus strand). VCF-style: chr17-44260697-C-T. GRCh37 (hg19) VCF-style: chr17-42338065-C-T.
Other names: short protein forms R96H.
Identifiers: ClinVar variation 2376519 (VCV002376519.7), dbSNP rs141244582, ClinGen allele CA8600650.
Genomic context (GRCh38, chr17:44,260,697, plus strand): 5'-TTGGTGAAGACTCTACGCAGCTCTAGGAGGCTCCAGAAGGTGAGGTGAGAGAGGTGCGGG[C>T]GGCCCCAGGCCCCATTCTCCCCCAGGTTCTCCTCCAGTTGCACCCAGCGCGCCGCCTCCA-3'
Protein context (NP_000333.1, residues 86-106): ENLGENGAWG[Arg96His]PHLSHLTFWS

ClinVar aggregate classification (germline): Uncertain significance. Review status: criteria provided, multiple submitters, no conflicts (2 of 4 stars). 4 submissions from 4 submitters: Uncertain significance (4). Last evaluated 2025-03-12.

Conditions:
SLC4A1-related disorder. Also called: SLC4A1-related disorders; SLC4A1-related condition.
Southeast Asian ovalocytosis. Also called: HE, STOMATOCYTIC; Stomatocytic elliptocytosis, hereditary; Ovalocytosis, Malaysian-Melanesian-Filipino type; Elliptocytosis 4. Identifiers: Orphanet 98868, MedGen C1862322, MONDO:0008165, OMIM 166900.
Hereditary spherocytosis type 4. Also called: SLC4A1-Related Spherocytosis. Identifiers: Orphanet 822, MedGen C2675212, MONDO:0012981, OMIM 612653.
Cryohydrocytosis. Also called: STOMATOCYTOSIS, COLD-SENSITIVE; CRYOHYDROCYTOSIS DUE TO BAND 3 HEMEL; CRYOHYDROCYTOSIS DUE TO BAND 3 HURSTPIERPOINT; CRYOHYDROCYTOSIS DUE TO BAND 3 BLACKBURN; Hereditary cryohydrocytosis with normal stomatin. Identifiers: Orphanet 398088, MedGen C1861453, MONDO:0008494, OMIM 185020.
Autosomal dominant distal renal tubular acidosis (DRTA1). Also called: RTA, CLASSIC TYPE; RTA, DISTAL TYPE, AUTOSOMAL DOMINANT; RTA, GRADIENT TYPE; Renal Tubular Acidosis, Type I; RENAL TUBULAR ACIDOSIS, DISTAL, 1. Identifiers: Orphanet 93608, MedGen CN280572, MONDO:0008368, OMIM 179800.
Renal tubular acidosis, distal, 4, with hemolytic anemia. Also called: Renal Tubular Acidosis, Distal, with Hemolytic Anemia. Identifiers: Orphanet 93610, MedGen C5436235, MONDO:0012700, OMIM 611590.
Inborn genetic diseases. Identifiers: MedGen C0950123, MeSH D030342.

Allele frequency attached by ClinVar (database versions not stated): gnomAD 0.00007; ESP Exome Variant Server 0.00008; 1000 Genomes Project 30x 0.00016; 1000 Genomes Project 0.00020.
gnomAD v4.1: 78 of 1,614,152 alleles (0.0048%); highest among the groups gnomAD compares: Middle Eastern, 0.016%; no homozygotes.

Submissions (4):

PreventionGenetics, part of Exact Sciences
Classification: Uncertain significance for SLC4A1-related condition. Last evaluated: 2025-03-12. Review status: criteria provided, single submitter. Criteria: ACMG Guidelines, 2015. Collection method: clinical testing. Allele origin: germline.
Comment: The SLC4A1 c.287G>A variant is predicted to result in the amino acid substitution p.Arg96His. To our knowledge, this variant has not been reported in the literature. A different amino acid substitution at this position (c.286C>T, p.Arg96Cys) was reported in a patient with nephrolithiasis (Amar et al. 2019. PubMed ID: 30778725). This variant is reported in 0.010% of alleles in individuals of East Asian descent in gnomAD. At this time, the clinical significance of this variant is uncertain due to the absence of conclusive functional and genetic evidence.

Ambry Genetics
Classification: Uncertain significance for Inborn genetic diseases. Last evaluated: 2024-01-16. Review status: criteria provided, single submitter. Criteria: Ambry Variant Classification Scheme 2023. Collection method: clinical testing. Allele origin: germline.

Revvity Omics, Revvity
Classification: Uncertain significance. Last evaluated: 2022-06-27. Review status: criteria provided, single submitter. Criteria: ACMG Guidelines, 2015. Collection method: clinical testing. Allele origin: germline.

Department of Pathology and Laboratory Medicine, Sinai Health System
Classification: Uncertain significance for Southeast Asian ovalocytosis; Autosomal dominant distal renal tubular acidosis; Cryohydrocytosis; Renal tubular acidosis, distal, 4, with hemolytic anemia; Hereditary spherocytosis type 4. Last evaluated: 2021-07-30. Review status: criteria provided, single submitter. Criteria: ACMG Guidelines, 2015. Collection method: research. Allele origin: germline.